The following is an entry in ClinVar:

ClinVar aggregate classification (germline): Uncertain significance. Review status: criteria provided, multiple submitters, no conflicts (2 of 4 stars). 2 submissions from 2 submitters: Uncertain significance (2). Last evaluated 2026-05-18.

Conditions:
CEACAM16-related disorder. Also called: CEACAM16-related condition.

Allele frequency attached by ClinVar (database versions not stated): gnomAD exomes 0.00002 and 0.00003; ExAC 0.00003; gnomAD 0.00003 and 0.00004; TOPMed 0.00004; ESP Exome Variant Server 0.00008.
gnomAD v4.1: 50 of 1,610,270 alleles (0.0031%); highest among the groups gnomAD compares: Non-Finnish European, 0.004%; no homozygotes.

Submissions (2):

PreventionGenetics, part of Exact Sciences
Classification: Uncertain significance for CEACAM16-related condition. Last evaluated: 2026-05-18. Review status: criteria provided, single submitter. Criteria: ACMG Guidelines, 2015. Collection method: clinical testing. Allele origin: germline.
Comment: The CEACAM16 c.61G>A variant is predicted to result in the amino acid substitution p.Glu21Lys. To our knowledge, this variant has not been reported in the literature. This variant is reported in 0.0063% of alleles in individuals of European (Non-Finnish) descent in gnomAD. At this time, the clinical significance of this variant is uncertain due to the absence of conclusive functional and genetic evidence.

Laboratory for Molecular Medicine, Mass General Brigham Personalized Medicine
Classification: Uncertain significance. Last evaluated: 2018-01-18. Review status: criteria provided, single submitter. Criteria: LMM Criteria. Collection method: clinical testing. Allele origin: germline. Observed: 1 variant allele.
Comment: The p.Glu21Lys variant in CEACAM16 has not been previously reported in individua ls with hearing loss, but has been identified in 7/124532 European chromosomes b y the Genome Aggregation Database (gnomAD; db SNP rs368296153). Although this variant has been seen in the general population, its frequency is not high enough to rule out a pathogenic role. Computational p rediction tools and conservation analysis do not provide strong support for or a gainst an impact to the protein. In summary, the clinical significance of the p. Glu21Lys variant is uncertain. ACMG/AMP Criteria applied: none.

NM_001039213.4(CEACAM16):c.61G>A (p.Glu21Lys)

Genes: CEACAM16 (CEA cell adhesion molecule 16, tectorial membrane component; plus strand), CEACAM16-AS1 (CEACAM16, CEACAM19 and PVR antisense RNA 1; minus strand). Cytogenetic location: 19q13.32.
Variant type: single nucleotide variant.
Coding change: c.61G>A on transcript NM_001039213.4 (MANE Select); coding-DNA position 61, G replaced by A.
Protein change: p.Glu21Lys; replaces glutamic acid 21 with lysine.
Molecular consequence: missense variant.
Genome position (GRCh38, 1-based): chr19:44,703,372, G>A. VCF-style: chr19-44703372-G-A. GRCh37 (hg19) VCF-style: chr19-45206642-G-A.
Other names: c.61G>A (NM_001039213.3); short protein forms E21K.
Identifiers: ClinVar variation 504865 (VCV000504865.5), dbSNP rs368296153, ClinGen allele CA9502938.